The following is an entry in ClinVar:

NM_152564.5(VPS13B):c.1819G>T (p.Glu607Ter)

Gene: VPS13B (vacuolar protein sorting 13 homolog B; plus strand). Cytogenetic location: 8q22.2.
Variant type: single nucleotide variant.
Coding change: c.1819G>T on transcript NM_152564.5 (MANE Select); coding-DNA position 1819, G replaced by T.
Protein change: p.Glu607Ter; replaces glutamic acid 607 with a stop codon.
Molecular consequence: nonsense.
Genome position (GRCh38, 1-based): chr8:99,143,141, G>T. VCF-style: chr8-99143141-G-T. GRCh37 (hg19) VCF-style: chr8-100155369-G-T.
Other names: c.1819G>T, p.Glu607Ter (NM_015243.3, NM_017890.5); short protein forms E607*.
Identifiers: ClinVar variation 2002216 (VCV002002216.4), dbSNP rs2488786625, ClinGen allele CA371864156.

ClinVar aggregate classification (germline): Pathogenic (1 of 4 stars; one submission).

Conditions:
Cohen syndrome (COH1). Also called: Cutis verticis gyrata, retinitis pigmentosa, and sensorineural deafness; PEPPER SYNDROME. Identifiers: Orphanet 193, MedGen C0265223, MONDO:0008999, OMIM 216550.

Submission:

Labcorp Genetics (formerly Invitae), Labcorp
Classification: Pathogenic for Cohen syndrome. Last evaluated: 2022-06-03. Review status: criteria provided, single submitter. Criteria: Invitae Variant Classification Sherloc (09022015). Collection method: clinical testing. Allele origin: germline.
Comment: This variant has not been reported in the literature in individuals affected with VPS13B-related conditions. This variant is not present in population databases (gnomAD no frequency). This sequence change creates a premature translational stop signal (p.Glu607*) in the VPS13B gene. It is expected to result in an absent or disrupted protein product. Loss-of-function variants in VPS13B are known to be pathogenic (PMID: 15141358, 16648375, 20461111). For these reasons, this variant has been classified as Pathogenic.

Literature cited by the submitters: PubMed 15141358; PubMed 16648375; PubMed 20461111.